The following is an entry in ClinVar:

ClinVar aggregate classification (germline): Uncertain significance (1 of 4 stars; one submission).

Conditions:
Loeys-Dietz syndrome 2 (LDS2). Also called: TGFBR2-Related Loeys-Dietz Syndrome; AORTIC ANEURYSM, FAMILIAL THORACIC 3; MARFAN SYNDROME, TYPE II; Marfan syndrome, type 2 (formerly); Marfan Syndrome type 2; Marfan like connective tissue disorder. Identifiers: Orphanet 284973, Orphanet 558, MedGen C2674574, MONDO:0012427, OMIM 610168.

Submission:

All of Us Research Program, National Institutes of Health
Classification: Uncertain significance for Loeys-Dietz syndrome 2. Last evaluated: 2024-04-16. Review status: criteria provided, single submitter. Criteria: ACMG Guidelines, 2015. Collection method: clinical testing. Allele origin: germline. Inheritance: Autosomal dominant inheritance. Observed: 1 variant allele, 1 heterozygote.
Comment: This variant deletes 2 nucleotides in exon 3/7 of the TGFBR2 gene, creating a frameshift and premature translation stop signal. This variant is expected to result in an absent or non-functional protein product. To our knowledge, this variant has not been reported in individuals affected with TGFBR2-related disorders in the literature. This variant has not been identified in the general population by the Genome Aggregation Database (gnomAD). Clinical relevance of loss-of-function TGFBR2 truncation variants in autosomal dominant cardiovascular disorders is not clearly established. The available evidence is insufficient to determine the role of this variant in disease conclusively. Therefore, this variant is classified as a Variant of Uncertain Significance.

This study involves interpretation of variants in research participants for the purpose of population health screening. Participant phenotype was not available at the time of variant classification. Additional details can be found in publication PMID: 35346344, PMCID: PMC8962531

NM_003242.6(TGFBR2):c.285_286del (p.Leu97fs)

Gene: TGFBR2 (transforming growth factor beta receptor 2; plus strand). Cytogenetic location: 3p24.1.
Variant type: Deletion.
Coding change: c.285_286del on transcript NM_003242.6 (MANE Select); coding-DNA positions 285 to 286, 2 bases deleted (AA; older notation c.285_286delAA).
Protein change: p.Leu97fs; shifts the reading frame from leucine 97.
Molecular consequence: frameshift variant. On other transcripts: intron variant (2).
Genome position (GRCh38, 1-based): chr3:30,650,291-30,650,292, AA deleted. VCF-style (leftmost placement, unchanged base first): chr3-30650290-TAA-T. GRCh37 (hg19) VCF-style: chr3-30691782-TAA-T.
Other names: c.360_361del, p.Leu122fs (NM_001407126.1, NM_001407139.1, NM_001024847.3); c.285_286del, p.Leu97fs (NM_001407127.1, NM_001407130.1); c.312_313del, p.Leu106fs (NM_001407128.1); c.180_181del, p.Leu62fs (NM_001407129.1, NM_001407132.1, NM_001407133.1 and 3 more transcripts); c.170-21347_170-21346del (NM_001407137.1); c.95-21347_95-21346del (NM_001407138.1); short protein forms L106fs, L122fs, L62fs, L97fs.
Identifiers: ClinVar variation 3386060 (VCV003386060.1).